The following is an entry in ClinVar:

NM_006206.6(PDGFRA):c.886A>G (p.Thr296Ala)

Gene: PDGFRA (platelet derived growth factor receptor alpha; plus strand). Cytogenetic location: 4q12.
Variant type: single nucleotide variant.
Coding change: c.886A>G on transcript NM_006206.6 (MANE Select); coding-DNA position 886, A replaced by G.
Protein change: p.Thr296Ala; replaces threonine 296 with alanine.
Molecular consequence: missense variant.
Genome position (GRCh38, 1-based): chr4:54,267,415, A>G. VCF-style: chr4-54267415-A-G. GRCh37 (hg19) VCF-style: chr4-55133582-A-G.
Other names: c.886A>G, p.Thr296Ala (NM_001347827.2, NM_001347829.2); c.961A>G, p.Thr321Ala (NM_001347828.2); c.925A>G, p.Thr309Ala (NM_001347830.2); short protein forms T309A, T321A, T296A.
Identifiers: ClinVar variation 2587715 (VCV002587715.5), dbSNP rs760828332, ClinGen allele CA2922412.

ClinVar aggregate classification (germline): Uncertain significance. Review status: criteria provided, multiple submitters, no conflicts (2 of 4 stars). 2 submissions from 2 submitters: Uncertain significance (2). Last evaluated 2025-08-12.

Conditions:
Hereditary cancer-predisposing syndrome. Also called: Hereditary Cancer Syndrome; Hereditary neoplastic syndrome; Neoplastic Syndromes, Hereditary; Tumor predisposition. Identifiers: Orphanet 140162, MedGen C0027672, MeSH D009386, MONDO:0015356.
Gastrointestinal stromal tumor. Also called: Gastrointestinal stromal tumor, somatic; Gastrointestinal stroma tumor. Identifiers: Orphanet 44890, MedGen C0238198, MeSH D046152, MONDO:0011719, OMIM 606764, HP:0100723.

Allele frequency attached by ClinVar (database versions not stated): TOPMed below 0.00001; ExAC 0.00001.

Submissions (2):

Ambry Genetics
Classification: Uncertain significance for Hereditary cancer-predisposing syndrome. Last evaluated: 2025-08-12. Review status: criteria provided, single submitter. Criteria: Ambry Variant Classification Scheme 2023. Collection method: clinical testing. Allele origin: germline.
Comment: The p.T296A variant (also known as c.886A>G), located in coding exon 5 of the PDGFRA gene, results from an A to G substitution at nucleotide position 886. The threonine at codon 296 is replaced by alanine, an amino acid with similar properties. This amino acid position is conserved. In addition, this alteration is predicted to be tolerated by in silico analysis. Since supporting evidence is limited at this time, the clinical significance of this alteration remains unclear.

Labcorp Genetics (formerly Invitae), Labcorp
Classification: Uncertain significance for Gastrointestinal stromal tumor. Last evaluated: 2025-07-31. Review status: criteria provided, single submitter. Criteria: Invitae Variant Classification Sherloc (09022015). Collection method: clinical testing. Allele origin: germline.
Comment: This sequence change replaces threonine, which is neutral and polar, with alanine, which is neutral and non-polar, at codon 296 of the PDGFRA protein (p.Thr296Ala). This variant is present in population databases (rs760828332, gnomAD 0.006%). This variant has not been reported in the literature in individuals affected with PDGFRA-related conditions. ClinVar contains an entry for this variant (Variation ID: 2587715). Invitae Evidence Modeling of protein sequence and biophysical properties (such as structural, functional, and spatial information, amino acid conservation, physicochemical variation, residue mobility, and thermodynamic stability) indicates that this missense variant is not expected to disrupt PDGFRA protein function with a negative predictive value of 80%. In summary, the available evidence is currently insufficient to determine the role of this variant in disease. Therefore, it has been classified as a Variant of Uncertain Significance.